The following is an entry in ClinVar:

ClinVar aggregate classification (germline): Likely benign. Review status: criteria provided, multiple submitters, no conflicts (2 of 4 stars). 3 submissions from 3 submitters: Likely benign (3). Last evaluated 2024-06-09.

Conditions:
BRCA1-related cancer predisposition. Identifiers: MedGen CN377757, MONDO:0700268.
Hereditary cancer-predisposing syndrome. Also called: Neoplastic Syndromes, Hereditary; Tumor predisposition; Hereditary neoplastic syndrome; Hereditary Cancer Syndrome. Identifiers: Orphanet 140162, MedGen C0027672, MeSH D009386, MONDO:0015356.

Submissions (3):

All of Us Research Program, National Institutes of Health
Classification: Likely benign for BRCA1-related cancer predisposition. Last evaluated: 2024-06-09. Review status: criteria provided, single submitter. Criteria: ACMG Guidelines, 2015. Collection method: clinical testing. Allele origin: germline. Inheritance: Autosomal dominant inheritance. Observed: 1 variant allele, 1 heterozygote.
Comment: This study involves interpretation of variants in research participants for the purpose of population health screening. Participant phenotype was not available at the time of variant classification. Additional details can be found in publication PMID: 35346344, PMCID: PMC8962531

Ambry Genetics
Classification: Likely benign for Hereditary cancer-predisposing syndrome. Last evaluated: 2019-11-08. Review status: criteria provided, single submitter. Criteria: Ambry Variant Classification Scheme 2023. Collection method: clinical testing. Allele origin: germline.

Color Diagnostics, LLC DBA Color Health
Classification: Likely benign for Hereditary cancer-predisposing syndrome. Last evaluated: 2019-10-11. Review status: criteria provided, single submitter. Criteria: ACMG Guidelines, 2015. Collection method: clinical testing. Allele origin: germline.

NM_007294.4(BRCA1):c.3315T>C (p.His1105=)

Genes: BRCA1 (BRCA1 DNA repair associated; minus strand), LOC126862571 (BRD4-independent group 4 enhancer GRCh37_chr17:41243136-41244335; plus strand). Cytogenetic location: 17q21.31.
Variant type: single nucleotide variant.
Coding change: c.3315T>C on transcript NM_007294.4 (MANE Select); coding-DNA position 3315, T replaced by C.
Protein change: p.His1105=; no amino-acid change (histidine 1105 retained).
Molecular consequence: synonymous variant. On other transcripts: intron variant (137).
Genome position (GRCh38, 1-based): chr17:43,092,216, A>G on the plus strand (T>C on the coding strand, the complement: BRCA1 is on the minus strand). VCF-style: chr17-43092216-A-G. GRCh37 (hg19) VCF-style: chr17-41244233-A-G.
Other names: c.3105T>C, p.His1035= (NM_001407909.1, NM_001407910.1, NM_001407879.1 and 13 more transcripts); c.3102T>C, p.His1034= (NM_001407915.1, NM_001407916.1, NM_001407917.1 and 9 more transcripts); c.3192T>C, p.His1064= (NM_001407919.1, NM_001407937.1, NM_001407938.1 and 19 more transcripts); c.3051T>C, p.His1017= (NM_001407920.1, NM_001407921.1, NM_001407922.1 and 9 more transcripts); c.3048T>C, p.His1016= (NM_001407930.1, NM_001407931.1, NM_001407932.1 and 2 more transcripts); c.3189T>C, p.His1063= (NM_001407940.1, NM_001407941.1, NM_001407649.1 and 11 more transcripts); c.3174T>C, p.His1058= (NM_001407942.1, NM_001407944.1, NM_001407945.1 and 29 more transcripts); c.3171T>C, p.His1057= (NM_001407943.1, NM_001407964.1, NM_001407740.1 and 20 more transcripts); and 41 more.
Identifiers: ClinVar variation 823570 (VCV000823570.8), dbSNP rs1597864422, ClinGen allele CA500232648.